The following is an entry in ClinVar:

ClinVar aggregate classification (germline): not provided (0 of 4 stars; one submission).

Conditions:
Gestational diabetes mellitus uncontrolled. Identifiers: MedGen C3532257.

Submission:

Institute of Molecular and Cell Biology, University of Tartu
No classification provided. Condition: Gestational diabetes mellitus uncontrolled. Review status: no classification provided. Collection method: case-control. Allele origin: unknown. Affected: yes. Study: Kasak2014.
Comment: The study aimed to determine the contribution of copy number variants in the genetic etiology of normal and complicated pregnancies. The samples represented (i) maternal blood DNA drawn from healthy pregnant women during 1st or 2nd trimester and (ii) maternal and paternal blood DNA drawn at term pregnancy cases representing normal and complicated gestations (severe preeclampsia, PE; gestational diabetes, GD; small-for-gestational age newborn, SGA; large-for-gestational age newborn, LGA). We performed CNV calling based on genome-wide genotyping dataset (Illumina HumanOmniExpress-24-v1 BeadChip) by applying three algorithms, QuantiSNP, GADA (Genome Alteration Detection Algorithm) and CNstream in parallel. The acquired CNV calls were merged with HD-CNV (Hotspot Detector for Copy Number Variants) program and only the CNVs predicted by at least two programs, were considered in subsequent analysis.

Literature cited by the submitters: PubMed 25666259.

NM_017551.3(GRID1):c.520+7072_520+11519del

Gene: GRID1 (glutamate ionotropic receptor delta type subunit 1; minus strand). Cytogenetic location: 10q23.2.
Variant type: Deletion.
Coding change: c.520+7072_520+11519del on transcript NM_017551.3 (MANE Select); bases 7072 to 11519 of the intron after coding-DNA position 520, 4,448 bases deleted.
Molecular consequence: intron variant.
Genome position (GRCh38, 1-based): chr10:86,194,845-86,199,292, 4,448 bases deleted. GRCh37 (hg19): chr10:87,954,602-87,959,049.
Identifiers: ClinVar variation 157182 (VCV000157182.2), ClinGen allele CA212276.